The following is an entry in ClinVar:

NM_000214.3(JAG1):c.1984del (p.Ala662fs)

Gene: JAG1 (jagged canonical Notch ligand 1; minus strand). Cytogenetic location: 20p12.2.
Variant type: Deletion.
Coding change: c.1984del on transcript NM_000214.3 (MANE Select); coding-DNA position 1984, one base deleted (G; older notation c.1984delG).
Protein change: p.Ala662fs; shifts the reading frame from alanine 662.
Molecular consequence: frameshift variant.
Genome position (GRCh38, 1-based): chr20:10,645,986, C deleted on the plus strand (G on the coding strand, the reverse complement: JAG1 is on the minus strand); the first of 5 consecutive C bases (chr20:10,645,986-10,645,990); deleting any one gives the same sequence. VCF-style (leftmost placement, unchanged base first): chr20-10645985-GC-G. GRCh37 (hg19) VCF-style: chr20-10626633-GC-G.
Other names: short protein forms A662fs.
Identifiers: ClinVar variation 1783854 (VCV001783854.7), dbSNP rs780475862, ClinGen allele CA2580097883.
Genomic context (GRCh38, chr20:10,645,985, plus strand): 5'-ACATGACCCATACATCCCAGAGCTCCCCAAAGAGTGGCAGACTCACTGGTTTCACAGTAG[GC>G]CCCCTCCCAGCCGTCACTACAGATGCACTTGTAGGAGTTGACACCATCGATGCAAGTGCC-3'

ClinVar aggregate classification (germline): Pathogenic. Review status: criteria provided, multiple submitters, no conflicts (2 of 4 stars). 2 submissions from 2 submitters: Pathogenic (2). Last evaluated 2023-01-01.

Conditions:
Alagille syndrome due to a JAG1 point mutation. Also called: HEPATIC DUCTULAR HYPOPLASIA, SYNDROMATIC; JAG1-Related Alagille Syndrome; Alagille Syndrome 1. Identifiers: Orphanet 261619, Orphanet 52, MedGen C1956125, MONDO:0016862, OMIM 118450.
Cardiovascular phenotype. Identifiers: MedGen CN230736.

Submissions (2):

Labcorp Genetics (formerly Invitae), Labcorp
Classification: Pathogenic for Alagille syndrome due to a JAG1 point mutation. Last evaluated: 2023-01-01. Review status: criteria provided, single submitter. Criteria: Invitae Variant Classification Sherloc (09022015). Collection method: clinical testing. Allele origin: germline.
Comment: This sequence change creates a premature translational stop signal (p.Ala662Profs*81) in the JAG1 gene. It is expected to result in an absent or disrupted protein product. Loss-of-function variants in JAG1 are known to be pathogenic (PMID: 11180599). This variant is not present in population databases (gnomAD no frequency). This premature translational stop signal has been observed in individual(s) with Alagille syndrome (PMID: 31343788). ClinVar contains an entry for this variant (Variation ID: 1783854). For these reasons, this variant has been classified as Pathogenic.

Ambry Genetics
Classification: Pathogenic for Cardiovascular phenotype. Last evaluated: 2019-04-23. Review status: criteria provided, single submitter. Criteria: Ambry Variant Classification Scheme 2023. Collection method: clinical testing. Allele origin: germline.
Comment: The c.1984delG pathogenic mutation, located in coding exon 15 of the JAG1 gene, results from a deletion of one nucleotide at nucleotide position 1984, causing a translational frameshift with a predicted alternate stop codon (p.A662Pfs*81). This alteration is expected to result in loss of function by premature protein truncation or nonsense-mediated mRNA decay. As such, this alteration is interpreted as a disease-causing mutation.

Literature cited by the submitters: PubMed 11180599 (cited by Labcorp Genetics (formerly Invitae), Labcorp); PubMed 31343788 (cited by Labcorp Genetics (formerly Invitae), Labcorp).